The following is an entry in ClinVar:

ClinVar aggregate classification (germline): Uncertain significance. Review status: criteria provided, multiple submitters, no conflicts (2 of 4 stars). 3 submissions from 3 submitters: Uncertain significance (3). Last evaluated 2024-09-04.

Conditions:
Inborn genetic diseases. Identifiers: MedGen C0950123, MeSH D030342.
3-methylglutaconic aciduria with deafness, encephalopathy, and Leigh-like syndrome (MEGDEL). Also called: 3-METHYLGLUTACONIC ACIDURIA, TYPE VI; SERAC1 Deficiency; MEGDEL syndrome. Identifiers: Orphanet 352328, MedGen C4040739, MONDO:0013875, OMIM 614739.

Allele frequency attached by ClinVar (database versions not stated): gnomAD exomes below 0.00001; ExAC 0.00001; gnomAD 0.00001; 1000 Genomes Project 30x 0.00016; 1000 Genomes Project 0.00020.
gnomAD v4.1: 2 of 1,602,718 alleles (0.00012%); highest among the groups gnomAD compares: Admixed American, 0.0034%; no homozygotes.

Submissions (3):

Ambry Genetics
Classification: Uncertain significance for Inborn genetic diseases. Last evaluated: 2024-09-04. Review status: criteria provided, single submitter. Criteria: Ambry Variant Classification Scheme 2023. Collection method: clinical testing. Allele origin: germline.

GeneDx
Classification: Uncertain significance. Last evaluated: 2022-05-24. Review status: criteria provided, single submitter. Criteria: GeneDx Variant Classification Process June 2021. Collection method: clinical testing. Allele origin: germline. Affected: yes.
Comment: Not observed at significant frequency in large population cohorts (gnomAD); In silico analysis supports that this missense variant does not alter protein structure/function; Has not been previously published as pathogenic or benign to our knowledge

Labcorp Genetics (formerly Invitae), Labcorp
Classification: Uncertain significance for 3-methylglutaconic aciduria with deafness, encephalopathy, and Leigh-like syndrome. Last evaluated: 2021-01-04. Review status: criteria provided, single submitter. Criteria: Invitae Variant Classification Sherloc (09022015). Collection method: clinical testing. Allele origin: germline.
Comment: Algorithms developed to predict the effect of missense changes on protein structure and function are either unavailable or do not agree on the potential impact of this missense change (SIFT: "Deleterious"; PolyPhen-2: "Possibly Damaging"; Align-GVGD: "Class C0"). In summary, the available evidence is currently insufficient to determine the role of this variant in disease. Therefore, it has been classified as a Variant of Uncertain Significance. This variant has not been reported in the literature in individuals with SERAC1-related conditions. This variant is present in population databases (rs571113650, ExAC 0.009%). This sequence change replaces proline with serine at codon 258 of the SERAC1 protein (p.Pro258Ser). The proline residue is highly conserved and there is a moderate physicochemical difference between proline and serine.

NM_032861.4(SERAC1):c.772C>T (p.Pro258Ser)

Gene: SERAC1 (serine active site containing 1; minus strand). Cytogenetic location: 6q25.3.
Variant type: single nucleotide variant.
Coding change: c.772C>T on transcript NM_032861.4 (MANE Select); coding-DNA position 772, C replaced by T.
Protein change: p.Pro258Ser; replaces proline 258 with serine.
Molecular consequence: missense variant.
Genome position (GRCh38, 1-based): chr6:158,130,453, G>A on the plus strand (C>T on the coding strand, the complement: SERAC1 is on the minus strand). VCF-style: chr6-158130453-G-A. GRCh37 (hg19) VCF-style: chr6-158551485-G-A.
Other names: short protein forms P258S.
Identifiers: ClinVar variation 1365027 (VCV001365027.10), dbSNP rs571113650, ClinGen allele CA4071264.